The following is an entry in ClinVar:

ClinVar aggregate classification (germline): Uncertain significance (1 of 4 stars; one submission).

Conditions:
Hereditary cancer-predisposing syndrome. Also called: Hereditary Cancer Syndrome; Neoplastic Syndromes, Hereditary; Tumor predisposition; Hereditary neoplastic syndrome. Identifiers: Orphanet 140162, MedGen C0027672, MeSH D009386, MONDO:0015356.

Submission:

Ambry Genetics
Classification: Uncertain significance for Hereditary cancer-predisposing syndrome. Last evaluated: 2023-09-22. Review status: criteria provided, single submitter. Criteria: Ambry Variant Classification Scheme 2023. Collection method: clinical testing. Allele origin: germline.
Comment: The p.E160K variant (also known as c.478G>A), located in coding exon 4 of the RAD50 gene, results from a G to A substitution at nucleotide position 478. The glutamic acid at codon 160 is replaced by lysine, an amino acid with similar properties. This amino acid position is highly conserved in available vertebrate species. In addition, this alteration is predicted to be deleterious by in silico analysis. Since supporting evidence is limited at this time, the clinical significance of this alteration remains unclear.

NM_005732.4(RAD50):c.478G>A (p.Glu160Lys)

Gene: RAD50 (RAD50 double strand break repair protein; plus strand). Cytogenetic location: 5q31.1.
Variant type: single nucleotide variant.
Coding change: c.478G>A on transcript NM_005732.4 (MANE Select); coding-DNA position 478, G replaced by A.
Protein change: p.Glu160Lys; replaces glutamic acid 160 with lysine.
Molecular consequence: missense variant.
Genome position (GRCh38, 1-based): chr5:132,579,429, G>A. VCF-style: chr5-132579429-G-A. GRCh37 (hg19) VCF-style: chr5-131915121-G-A.
Other names: short protein forms E160K.
Identifiers: ClinVar variation 480473 (VCV000480473.5), dbSNP rs1554097775, ClinGen allele CA360934475.